The following is an entry in ClinVar:

NM_000051.4(ATM):c.4969A>C (p.Met1657Leu)

Gene: ATM (ATM serine/threonine kinase; plus strand). Cytogenetic location: 11q22.3.
Variant type: single nucleotide variant.
Coding change: c.4969A>C on transcript NM_000051.4 (MANE Select); coding-DNA position 4969, A replaced by C.
Protein change: p.Met1657Leu; replaces methionine 1657 with leucine.
Molecular consequence: missense variant.
Genome position (GRCh38, 1-based): chr11:108,297,346, A>C. VCF-style: chr11-108297346-A-C. GRCh37 (hg19) VCF-style: chr11-108168073-A-C.
Other names: c.4969A>C, p.Met1657Leu (NM_001351834.2); short protein forms M1657L.
Identifiers: ClinVar variation 1511328 (VCV001511328.7), dbSNP rs1060501656, ClinGen allele CA382538381.
Genomic context (GRCh38, chr11:108,297,346, plus strand): 5'-GATAATCCGCAAGATGGGATTATGGTGAAACTAGTTGTCAATTTGTTGCAGTTATCCAAG[A>C]TGGCAATAAACCACACTGGTGAAAAAGAAGTTCTAGGTAAACTACAGTCATGCGCTGCGT-3'
Protein context (NP_000042.3, residues 1647-1667): LVVNLLQLSK[Met1657Leu]AINHTGEKEV

ClinVar aggregate classification (germline): Uncertain significance. Review status: criteria provided, multiple submitters, no conflicts (2 of 4 stars). 2 submissions from 2 submitters: Uncertain significance (2). Last evaluated 2022-01-24.

Conditions:
Hereditary cancer-predisposing syndrome. Also called: Neoplastic Syndromes, Hereditary; Hereditary Cancer Syndrome; Tumor predisposition; Hereditary neoplastic syndrome. Identifiers: Orphanet 140162, MedGen C0027672, MeSH D009386, MONDO:0015356.
Ataxia-telangiectasia syndrome (AT). Also called: Cerebello-oculocutaneous telangiectasia; Immunodeficiency with ataxia telangiectasia; ATAXIA-TELANGIECTASIA, COMPLEMENTATION GROUP A; ATAXIA-TELANGIECTASIA, FRESNO VARIANT; Ataxia-telangiectasia, complementation group E; LOUIS-BAR SYNDROME. Identifiers: Orphanet 100, MedGen C0004135, MONDO:0008840, OMIM 208900.

Submissions (2):

Sema4
Classification: Uncertain significance for Hereditary cancer-predisposing syndrome. Last evaluated: 2022-01-24. Review status: criteria provided, single submitter. Criteria: Sema4 Curation Guidelines. Collection method: curation. Allele origin: germline.
Comment: The ATM c.4969A>C (p.M1657L) variant has not been reported in the literature to our knowledge. This variant was not observed in the large and broad cohorts of the Genome Aggregation Database (PMID: 32461654). This variant has not been reported in ClinVar. In silico tools suggest the impact of the variant on protein function is benign, though these predictions have not been confirmed by functional studies. There is no indication that this variant causes disease, but the evidence is insufficient currently to prove that conclusively. Thus, the clinical significance of this variant is currently uncertain.

Labcorp Genetics (formerly Invitae), Labcorp
Classification: Uncertain significance for Ataxia-telangiectasia syndrome. Last evaluated: 2021-10-14. Review status: criteria provided, single submitter. Criteria: Invitae Variant Classification Sherloc (09022015). Collection method: clinical testing. Allele origin: germline.
Comment: In summary, the available evidence is currently insufficient to determine the role of this variant in disease. Therefore, it has been classified as a Variant of Uncertain Significance. Advanced modeling of protein sequence and biophysical properties (such as structural, functional, and spatial information, amino acid conservation, physicochemical variation, residue mobility, and thermodynamic stability) performed at Invitae indicates that this missense variant is not expected to disrupt ATM protein function. This variant has not been reported in the literature in individuals affected with ATM-related conditions. This variant is not present in population databases (ExAC no frequency). This sequence change replaces methionine with leucine at codon 1657 of the ATM protein (p.Met1657Leu). The methionine residue is moderately conserved and there is a small physicochemical difference between methionine and leucine.